The following is an entry in ClinVar:

NM_003571.4(BFSP2):c.370G>A (p.Ala124Thr)

Gene: BFSP2 (beaded filament structural protein 2; plus strand). Cytogenetic location: 3q22.1.
Variant type: single nucleotide variant.
Coding change: c.370G>A on transcript NM_003571.4 (MANE Select); coding-DNA position 370, G replaced by A.
Protein change: p.Ala124Thr; replaces alanine 124 with threonine.
Molecular consequence: missense variant.
Genome position (GRCh38, 1-based): chr3:133,400,453, G>A. VCF-style: chr3-133400453-G-A. GRCh37 (hg19) VCF-style: chr3-133119297-G-A.
Other names: short protein forms A124T.
Identifiers: ClinVar variation 900456 (VCV000900456.11), dbSNP rs754811534, ClinGen allele CA2623236.

ClinVar aggregate classification (germline): Conflicting classifications of pathogenicity. Review status: criteria provided, conflicting classifications (1 of 4 stars). 4 submissions from 4 submitters: Uncertain significance (3); Benign (1). Last evaluated 2025-08-29.

Conditions:
Cataract 12 multiple types. Identifiers: Orphanet 91492, MedGen C3808115, MONDO:0012701, OMIM 611597.

Allele frequency attached by ClinVar (database versions not stated): ExAC 0.00002; gnomAD 0.00002 and 0.00003; gnomAD exomes 0.00002; TOPMed 0.00002.
gnomAD v4.1: 33 of 1,613,928 alleles (0.002%); highest among the groups gnomAD compares: Admixed American, 0.005%; no homozygotes.

Submissions (4):

Ambry Genetics
Classification: Uncertain significance. Last evaluated: 2025-08-29. Review status: criteria provided, single submitter. Criteria: Ambry Variant Classification Scheme 2023. Collection method: clinical testing. Allele origin: germline.

Blueprint Genetics
Classification: Uncertain significance. Last evaluated: 2024-11-06. Review status: criteria provided, single submitter. Criteria: ACMG Guidelines, 2015. Collection method: clinical testing. Allele origin: germline.

Labcorp Genetics (formerly Invitae), Labcorp
Classification: Uncertain significance for Cataract 12 multiple types. Last evaluated: 2022-09-07. Review status: criteria provided, single submitter. Criteria: Invitae Variant Classification Sherloc (09022015). Collection method: clinical testing. Allele origin: germline.
Comment: In summary, the available evidence is currently insufficient to determine the role of this variant in disease. Therefore, it has been classified as a Variant of Uncertain Significance. Algorithms developed to predict the effect of missense changes on protein structure and function output the following: SIFT: "Deleterious"; PolyPhen-2: "Benign"; Align-GVGD: "Class C55". The threonine amino acid residue is found in multiple mammalian species, which suggests that this missense change does not adversely affect protein function. ClinVar contains an entry for this variant (Variation ID: 900456). This variant has not been reported in the literature in individuals affected with BFSP2-related conditions. This variant is present in population databases (rs754811534, gnomAD 0.005%). This sequence change replaces alanine, which is neutral and non-polar, with threonine, which is neutral and polar, at codon 124 of the BFSP2 protein (p.Ala124Thr).

Illumina Laboratory Services, Illumina
Classification: Benign for Cataract 12 multiple types. Last evaluated: 2018-03-14. Review status: criteria provided, single submitter. Criteria: ICSL Variant Classification Criteria 13 December 2019. Collection method: clinical testing. Allele origin: germline.
Comment: This variant was observed in the ICSL laboratory as part of a predisposition screen in an ostensibly healthy population. It had not been previously curated by ICSL or reported in the Human Gene Mutation Database (HGMD: prior to June 1st, 2018), and was therefore a candidate for classification through an automated scoring system. Utilizing variant allele frequency, disease prevalence and penetrance estimates, and inheritance mode, an automated score was calculated to assess if this variant is too frequent to cause the disease. Based on the score and internal cut-off values, a variant classified as benign is not then subjected to further curation. The score for this variant resulted in a classification of benign for this disease.